The following is an entry in ClinVar:

ClinVar aggregate classification (germline): Uncertain significance (1 of 4 stars; one submission).

Conditions:
Hereditary pheochromocytoma and paraganglioma. Also called: Hereditary Paraganglioma-Pheochromocytoma Syndromes; Hereditary paragangliomas and pheochromocytomas; Hereditary pheochromocytoma-paraganglioma. Identifiers: Orphanet 29072, MedGen C4274332, MONDO:0017366.

Submission:

Color Diagnostics, LLC DBA Color Health
Classification: Uncertain significance for Hereditary pheochromocytoma and paraganglioma. Last evaluated: 2025-06-25. Review status: criteria provided, single submitter. Criteria: ACMG Guidelines, 2015. Collection method: clinical testing. Allele origin: germline.
Comment: This variant causes a G to A nucleotide substitution at the +5 position of intron 2/5 of the SDHC gene. To our knowledge, functional studies have not been reported for this variant. This variant has not been reported in individuals affected with SDHC-related disorders in the literature. This variant has not been identified in the general population by the Genome Aggregation Database (gnomAD). The available evidence is insufficient to determine the role of this variant in disease conclusively. Therefore, this variant is classified as a Variant of Uncertain Significance.

NM_003001.5(SDHC):c.77+5G>A

Gene: SDHC (succinate dehydrogenase complex subunit C; plus strand). Cytogenetic location: 1q23.3.
Variant type: single nucleotide variant.
Coding change: c.77+5G>A on transcript NM_003001.5 (MANE Select); 5 bases into the intron after coding-DNA position 77, G replaced by A.
Molecular consequence: intron variant.
Genome position (GRCh38, 1-based): chr1:161,323,675, G>A. VCF-style: chr1-161323675-G-A. GRCh37 (hg19) VCF-style: chr1-161293465-G-A.
Other names: c.-35+5G>A (NM_001407119.1); c.-153+5G>A (NM_001407120.1); c.77+5G>A (NM_001407115.1, NM_001035511.3, NM_001035512.3 and 2 more transcripts); c.21-4721G>A (NM_001407116.1, NM_001407121.1, NM_001407117.1); c.20+9250G>A (NM_001035513.3).
Identifiers: ClinVar variation 4757137 (VCV004757137.1).